The following is an entry in ClinVar:

ClinVar aggregate classification (germline): Uncertain significance (1 of 4 stars; one submission).

Submission:

Labcorp Genetics (formerly Invitae), Labcorp
Classification: Uncertain significance. Last evaluated: 2023-10-05. Review status: criteria provided, single submitter. Criteria: Invitae Variant Classification Sherloc (09022015). Collection method: clinical testing. Allele origin: germline.
Comment: This sequence change replaces valine, which is neutral and non-polar, with glycine, which is neutral and non-polar, at codon 242 of the NTHL1 protein (p.Val242Gly). This variant is not present in population databases (gnomAD no frequency). This variant has not been reported in the literature in individuals affected with NTHL1-related conditions. An algorithm developed to predict the effect of missense changes on protein structure and function (PolyPhen-2) suggests that this variant is likely to be disruptive. Algorithms developed to predict the effect of sequence changes on RNA splicing suggest that this variant may disrupt the consensus splice site. In summary, the available evidence is currently insufficient to determine the role of this variant in disease. Therefore, it has been classified as a Variant of Uncertain Significance.

NM_002528.7(NTHL1):c.701T>G (p.Val234Gly)

Gene: NTHL1 (nth like DNA glycosylase 1; minus strand). Cytogenetic location: 16p13.3.
Variant type: single nucleotide variant.
Coding change: c.701T>G on transcript NM_002528.7 (MANE Select); coding-DNA position 701, T replaced by G.
Protein change: p.Val234Gly; replaces valine 234 with glycine.
Molecular consequence: missense variant.
Genome position (GRCh38, 1-based): chr16:2,040,223, A>C on the plus strand (T>G on the coding strand, the complement: NTHL1 is on the minus strand). VCF-style: chr16-2040223-A-C. GRCh37 (hg19) VCF-style: chr16-2090224-A-C.
Other names: c.530T>G, p.Val177Gly (NM_001318193.2); c.371T>G, p.Val124Gly (NM_001318194.2); short protein forms V124G, V234G, V177G.
Identifiers: ClinVar variation 2765857 (VCV002765857.3), dbSNP rs2548312078, ClinGen allele CA394289301.